The following is an entry in ClinVar:

NM_000262.3(NAGA):c.1102-55_1102-54dup

Gene: NAGA (alpha-N-acetylgalactosaminidase; minus strand). Cytogenetic location: 22q13.2.
Variant type: Duplication.
Coding change: c.1102-55_1102-54dup on transcript NM_000262.3 (MANE Select); 55 bases into the intron before coding-DNA position 1102 through 54 bases into the intron before coding-DNA position 1102, 2 bases duplicated (GG; older notation c.1102-55_1102-54dupGG).
Molecular consequence: intron variant.
Genome position (GRCh38, 1-based): chr22:42,060,467-42,060,468, CC duplicated on the plus strand (GG on the coding strand, the reverse complement: NAGA is on the minus strand); duplicating any 2 consecutive bases within chr22:42,060,467-42,060,474 gives the same sequence; the c. name uses the placement nearest the transcript's 3' end. VCF-style (leftmost placement, unchanged base first): chr22-42060466-A-ACC. GRCh37 (hg19) VCF-style: chr22-42456470-A-ACC.
Other names: c.1102-55_1102-54dup (NM_001362850.1, NM_001362848.1).
Identifiers: ClinVar variation 1706861 (VCV001706861.2), dbSNP rs138095593, ClinGen allele CA639473820.

ClinVar aggregate classification (germline): Likely benign (1 of 4 stars; one submission).

Submission:

GeneDx
Classification: Likely benign. Last evaluated: 2020-09-30. Review status: criteria provided, single submitter. Criteria: GeneDx Variant Classification Process June 2021. Collection method: clinical testing. Allele origin: germline. Affected: yes.
Comment: See Variant Classification Assertion Criteria.